The following is an entry in ClinVar:

ClinVar aggregate classification (germline): Uncertain significance (1 of 4 stars; one submission).

Allele frequency attached by ClinVar (database versions not stated): gnomAD exomes below 0.00001.
gnomAD v4.1: 1 of 1,614,232 alleles (0.000062%); highest among the groups gnomAD compares: Non-Finnish European, 0.000085%; no homozygotes.

Submission:

Athena Diagnostics
Classification: Uncertain significance. Last evaluated: 2023-01-09. Review status: criteria provided, single submitter. Criteria: Athena Diagnostics Criteria. Collection method: clinical testing. Allele origin: unknown.
Comment: Available data are insufficient to determine the clinical significance of the variant at this time. This variant has not been reported in large, multi-ethnic general populations. Computational tools disagree on the variant's effect on normal protein function.

NM_182961.4(SYNE1):c.20630T>C (p.Leu6877Pro)

Gene: SYNE1 (spectrin repeat containing nuclear envelope protein 1; minus strand). Cytogenetic location: 6q25.2.
Variant type: single nucleotide variant.
Coding change: c.20630T>C on transcript NM_182961.4 (MANE Select); coding-DNA position 20630, T replaced by C.
Protein change: p.Leu6877Pro; replaces leucine 6877 with proline.
Molecular consequence: missense variant.
Genome position (GRCh38, 1-based): chr6:152,233,863, A>G on the plus strand (T>C on the coding strand, the complement: SYNE1 is on the minus strand). VCF-style: chr6-152233863-A-G. GRCh37 (hg19) VCF-style: chr6-152554998-A-G.
Other names: c.20417T>C, p.Leu6806Pro (NM_033071.5); short protein forms L6806P, L6877P.
Identifiers: ClinVar variation 2684041 (VCV002684041.1), dbSNP rs904719116, ClinGen allele CA150191520.